The following is an entry in ClinVar:

NM_001354930.2(RIPK1):c.574T>A (p.Tyr192Asn)

Gene: RIPK1 (receptor interacting serine/threonine kinase 1; plus strand). Cytogenetic location: 6p25.2.
Variant type: single nucleotide variant.
Coding change: c.574T>A on transcript NM_001354930.2 (MANE Select); coding-DNA position 574, T replaced by A.
Protein change: p.Tyr192Asn; replaces tyrosine 192 with asparagine.
Molecular consequence: missense variant.
Genome position (GRCh38, 1-based): chr6:3,083,199, T>A. VCF-style: chr6-3083199-T-A. GRCh37 (hg19) VCF-style: chr6-3083433-T-A.
Other names: c.85T>A, p.Tyr29Asn (NM_001317061.3, NM_001354932.2, NM_001354933.2 and 1 more transcripts); c.436T>A, p.Tyr146Asn (NM_001354931.2); c.574T>A, p.Tyr192Asn (NM_003804.6); short protein forms Y146N, Y29N, Y192N.
Identifiers: ClinVar variation 4728184 (VCV004728184.1).
Genomic context (GRCh38, chr6:3,083,199, plus strand): 5'-GAGCACAATGAGCTGAGGGAAGTGGACGGCACCGCTAAGAAGAATGGCGGCACCCTCTAC[T>A]ACATGGCGCCCGAGCACCTGAATGACGTCAACGCAAAGCCCACAGAGAAGTCGGATGTGT-3'
Protein context (NP_001341859.1, residues 182-202): TAKKNGGTLY[Tyr192Asn]MAPEHLNDVN

ClinVar aggregate classification (germline): Uncertain significance (1 of 4 stars; one submission).

Submission:

Labcorp Genetics (formerly Invitae), Labcorp
Classification: Uncertain significance. Last evaluated: 2025-10-28. Review status: criteria provided, single submitter. Criteria: Invitae Variant Classification Sherloc (09022015). Collection method: clinical testing. Allele origin: germline.
Comment: This sequence change replaces tyrosine, which is neutral and polar, with asparagine, which is neutral and polar, at codon 192 of the RIPK1 protein (p.Tyr192Asn). This variant is not present in population databases (gnomAD no frequency). This variant has not been reported in the literature in individuals affected with RIPK1-related conditions. An algorithm developed to predict the effect of missense changes on protein structure and function (PolyPhen-2) suggests that this variant is likely to be disruptive. In summary, the available evidence is currently insufficient to determine the role of this variant in disease. Therefore, it has been classified as a Variant of Uncertain Significance.